The following is an entry in ClinVar:

ClinVar aggregate classification (germline): Pathogenic/Likely pathogenic. Review status: criteria provided, multiple submitters, no conflicts (2 of 4 stars). 3 submissions from 3 submitters: Pathogenic (1); Likely pathogenic (2). Last evaluated 2025-12-02.

Conditions:
Alstrom syndrome (ALMS). Identifiers: Orphanet 64, MedGen C0268425, MONDO:0008763, OMIM 203800.

Allele frequency attached by ClinVar (database versions not stated): gnomAD exomes below 0.00001; gnomAD 0.00001; TOPMed 0.00001.
gnomAD v4.1: 2 of 1,613,874 alleles (0.00012%); highest among the groups gnomAD compares: African/African-American, 0.0027%; no homozygotes.

Submissions (3):

Labcorp Genetics (formerly Invitae), Labcorp
Classification: Pathogenic for Alstrom syndrome. Last evaluated: 2025-12-02. Review status: criteria provided, single submitter. Criteria: Invitae Variant Classification Sherloc (09022015). Collection method: clinical testing. Allele origin: germline.
Comment: This sequence change creates a premature translational stop signal (p.Gln3204*) in the ALMS1 gene. It is expected to result in an absent or disrupted protein product. Loss-of-function variants in ALMS1 are known to be pathogenic (PMID: 17594715). This variant is not present in population databases (gnomAD no frequency). This variant has not been reported in the literature in individuals affected with ALMS1-related conditions. ClinVar contains an entry for this variant (Variation ID: 1376922). For these reasons, this variant has been classified as Pathogenic.

Natera, Inc.
Classification: Likely pathogenic for Alstrom syndrome. Last evaluated: 2024-07-10. Review status: criteria provided, single submitter. Criteria: Natera Variant Classification Schema (03/2026). Collection method: clinical testing. Allele origin: germline.
Comment: The c.9610C>T variant in ALMS1 is a nonsense variant predicted to introduce a stop codon at amino acid 3204. This variant is expected to result in nonsense mediated decay, truncation, or a dysfunctional protein product. This variant is rare in the general population with a frequency below the threshold expected for the associated phenotype(s). Given the available evidence, this variant is classified as Likely Pathogenic.

Fulgent Genetics
Classification: Likely pathogenic for Alstrom syndrome. Last evaluated: 2021-12-27. Review status: criteria provided, single submitter. Criteria: ACMG Guidelines, 2015. Collection method: clinical testing. Allele origin: unknown.

Literature cited by the submitters: PubMed 17594715 (cited by Labcorp Genetics (formerly Invitae), Labcorp).

NM_001378454.1(ALMS1):c.9607C>T (p.Gln3203Ter)

Gene: ALMS1 (ALMS1 centrosome and basal body associated protein; plus strand). Cytogenetic location: 2p13.1.
Variant type: single nucleotide variant.
Coding change: c.9607C>T on transcript NM_001378454.1 (MANE Select); coding-DNA position 9607, C replaced by T.
Protein change: p.Gln3203Ter; replaces glutamine 3203 with a stop codon.
Molecular consequence: nonsense.
Genome position (GRCh38, 1-based): chr2:73,519,842, C>T. VCF-style: chr2-73519842-C-T. GRCh37 (hg19) VCF-style: chr2-73746969-C-T.
Other names: c.9610C>T, p.Gln3204Ter (NM_015120.4); short protein forms Q3203*, Q3204*.
Identifiers: ClinVar variation 1376922 (VCV001376922.8), dbSNP rs956247442, ClinGen allele CA50397708.
Genomic context (GRCh38, chr2:73,519,842, plus strand): 5'-GAGAAGATGAAGACCCCACTTTCTGCTTTCTCTGAAAAATTGTCATCTGATGCAGTCACT[C>T]AGATAACAACAGAAAGTCCAGAAAAGACCCTATTTTCATCTGAGATTTTTATTAATGCTG-3'